The following is an entry in ClinVar:

NM_004006.3(DMD):c.412A>G (p.Lys138Glu)

Gene: DMD (dystrophin; minus strand). Cytogenetic location: Xp21.1.
Variant type: single nucleotide variant.
Coding change: c.412A>G on transcript NM_004006.3 (MANE Select); coding-DNA position 412, A replaced by G.
Protein change: p.Lys138Glu; replaces lysine 138 with glutamic acid.
Molecular consequence: missense variant.
Genome position (GRCh38, 1-based): chrX:32,816,586, T>C on the plus strand (A>G on the coding strand, the complement: DMD is on the minus strand). VCF-style: chrX-32816586-T-C. GRCh37 (hg19) VCF-style: chrX-32834703-T-C.
Other names: c.388A>G, p.Lys130Glu (NM_000109.4); c.400A>G, p.Lys134Glu (NM_004009.3); c.43A>G, p.Lys15Glu (NM_004010.3); short protein forms K130E, K134E, K138E, K15E.
Identifiers: ClinVar variation 3906522 (VCV003906522.2).
Genomic context (GRCh38, chrX:32,816,586, plus strand): 5'-TGATTACATTAACCTGTGGATAATTACGAGTTGATTGTCGGACCCAGCTCAGGAGAATCT[T>C]TTCACTGTTGGTTTGTTGCAATCCAGCCATGATATTTTTCATTACATTTTTGACCTACAT-3'
Protein context (NP_003997.2, residues 128-148): MAGLQQTNSE[Lys138Glu]ILLSWVRQST

ClinVar aggregate classification (germline): Uncertain significance (1 of 4 stars; one submission).

Submission:

GeneDx
Classification: Uncertain significance. Last evaluated: 2026-06-30. Review status: criteria provided, single submitter. Criteria: GeneDx Variant Classification Process June 2021. Collection method: clinical testing. Allele origin: germline.
Comment: Not observed at significant frequency in large population cohorts (gnomAD); In silico analysis supports that this missense variant has a deleterious effect on protein structure/function; Missense variant in a gene in which most reported pathogenic variants are truncating/loss of function; Has not been previously published as pathogenic or benign to our knowledge